The following is an entry in ClinVar:

ClinVar aggregate classification (germline): no classifications from unflagged records (0 of 4 stars; one submission).

Conditions:
Intellectual developmental disorder, autosomal recessive 14. Also called: Intellectual disability, autosomal recessive 14. Identifiers: Orphanet 88616, MedGen C3151462, MONDO:0013528, OMIM 614020.

Allele frequency attached by ClinVar (database versions not stated): gnomAD exomes below 0.00001.
gnomAD v4.1: 3 of 1,613,906 alleles (0.00019%); highest among the groups gnomAD compares: Non-Finnish European, 0.00025%; no homozygotes.

Submission:

OMIM
Classification: Pathogenic for INTELLECTUAL DEVELOPMENTAL DISORDER, AUTOSOMAL RECESSIVE 14. Last evaluated: 2013-12-20. Review status: flagged submission. Collection method: literature only. Allele origin: germline.
ClinVar note: Notes: Flagging candidate with reason of insufficient supporting evidence. This gene has been classified as having a limited gene-disease relationship by a ClinGen Expert Panel.
ClinVar note: Reason: Other

Literature cited by the submitters: PubMed 11590547; PubMed 21212097; PubMed 22981120; PubMed 24220030.

NM_138501.6(TECR):c.545C>T (p.Pro182Leu)

Gene: TECR (trans-2,3-enoyl-CoA reductase; plus strand). Cytogenetic location: 19p13.12.
Variant type: single nucleotide variant.
Coding change: c.545C>T on transcript NM_138501.6 (MANE Select); coding-DNA position 545, C replaced by T.
Protein change: p.Pro182Leu; replaces proline 182 with leucine.
Molecular consequence: missense variant.
Genome position (GRCh38, 1-based): chr19:14,564,841, C>T. VCF-style: chr19-14564841-C-T. GRCh37 (hg19) VCF-style: chr19-14675653-C-T.
Other names: TECR, PRO182LEU (rs199469705); c.590C>T, p.Pro197Leu (NM_001321170.1); short protein forms P182L, P197L.
Identifiers: ClinVar variation 30810 (VCV000030810.2), dbSNP rs199469705, ClinGen allele CA129481.